The following is an entry in ClinVar:

NM_000481.4(AMT):c.1087G>C (p.Gly363Arg)

Gene: AMT (aminomethyltransferase; minus strand). Cytogenetic location: 3p21.31.
Variant type: single nucleotide variant.
Coding change: c.1087G>C on transcript NM_000481.4 (MANE Select); coding-DNA position 1087, G replaced by C.
Protein change: p.Gly363Arg; replaces glycine 363 with arginine.
Molecular consequence: missense variant. On other transcripts: non-coding transcript variant (1).
Genome position (GRCh38, 1-based): chr3:49,417,665, C>G on the plus strand (G>C on the coding strand, the complement: AMT is on the minus strand). VCF-style: chr3-49417665-C-G. GRCh37 (hg19) VCF-style: chr3-49455098-C-G.
Other names: c.1087G>C (NM_001164712.1); c.955G>C, p.Gly319Arg (NM_001164710.2); c.919G>C, p.Gly307Arg (NM_001164711.2); c.1087G>C, p.Gly363Arg (NM_001164712.2); short protein forms G363R, G307R, G319R.
Identifiers: ClinVar variation 554115 (VCV000554115.16), dbSNP rs1167886830, ClinGen allele CA352788971.

ClinVar aggregate classification (germline): Pathogenic/Likely pathogenic. Review status: criteria provided, multiple submitters, no conflicts (2 of 4 stars). 4 submissions from 4 submitters: Pathogenic (1); Likely pathogenic (2). 1 of the submissions does not count toward it. Last evaluated 2025-10-01.

Conditions:
Glycine encephalopathy. Also called: Nonketotic hyperglycinemia; Non-ketotic hyperglycinemia. Identifiers: Orphanet 407, MedGen C0751748, MONDO:0011612, HP:0008288.
Glycine encephalopathy 1 (GCE1). Identifiers: MedGen CN376801, MONDO:0958179, OMIM 605899.

Allele frequency attached by ClinVar (database versions not stated): TOPMed below 0.00001.

Submissions (4):

Women's Health and Genetics/Laboratory Corporation of America, LabCorp
Classification: Likely pathogenic for Glycine encephalopathy. Last evaluated: 2025-10-01. Review status: criteria provided, single submitter. Criteria: LabCorp Variant Classification Summary - May 2015. Collection method: clinical testing. Allele origin: germline.
Comment: Variant summary: AMT c.1087G>C (p.Gly363Arg) results in a non-conservative amino acid change located in the glycine cleavage T-protein, C-terminal barrel domain (IPR013977) of the encoded protein sequence. Algorithms developed to predict the effect of missense changes on protein structure and function all suggest that this variant is likely to be disruptive. The variant was absent in 251358 control chromosomes. The available data on variant occurrences in the general population are insufficient to allow any conclusion about variant significance. c.1087G>C has been reported in the presumed compound heterozygous state in at least 2 individuals affected with glycine encephalopathy (Non-Ketotic Hyperglycinemia) (Coughlin_2017, Labcorp Genetics (formerly Invitae)). To our knowledge, no experimental evidence demonstrating an impact on protein function has been reported. The following publication has been ascertained in the context of this evaluation (PMID: 27362913). ClinVar contains an entry for this variant (Variation ID: 554115). Based on the evidence outlined above, the variant was classified as likely pathogenic.

Labcorp Genetics (formerly Invitae), Labcorp
Classification: Pathogenic for Glycine encephalopathy. Last evaluated: 2023-12-20. Review status: criteria provided, single submitter. Criteria: Invitae Variant Classification Sherloc (09022015). Collection method: clinical testing. Allele origin: germline.
Comment: This sequence change replaces glycine, which is neutral and non-polar, with arginine, which is basic and polar, at codon 363 of the AMT protein (p.Gly363Arg). This variant is not present in population databases (gnomAD no frequency). This missense change has been observed in individual(s) with glycine encephalopathy (PMID: 27362913; Invitae). In at least one individual the data is consistent with being in trans (on the opposite chromosome) from a pathogenic variant. ClinVar contains an entry for this variant (Variation ID: 554115). Advanced modeling of protein sequence and biophysical properties (such as structural, functional, and spatial information, amino acid conservation, physicochemical variation, residue mobility, and thermodynamic stability) performed at Invitae indicates that this missense variant is expected to disrupt AMT protein function with a positive predictive value of 95%. For these reasons, this variant has been classified as Pathogenic.

Baylor Genetics
Classification: Likely pathogenic for Glycine encephalopathy 1. Last evaluated: 2023-05-15. Review status: criteria provided, single submitter. Criteria: ACMG Guidelines, 2015. Collection method: clinical testing. Allele origin: unknown.

Counsyl
Classification: Uncertain significance for Glycine encephalopathy 1. Last evaluated: 2017-09-26. Review status: no assertion criteria provided. Collection method: clinical testing. Allele origin: unknown. Not counted in ClinVar's aggregate classification.

Literature cited by the submitters: PubMed 27362913 (cited by 3 submitters).